The following is an entry in ClinVar:

ClinVar aggregate classification (germline): Likely pathogenic (1 of 4 stars; one submission).

Conditions:
Seizures, benign familial neonatal, 2. Also called: Benign Neonatal Epilepsy 2; CONVULSIONS, BENIGN FAMILIAL NEONATAL, 2; KCNQ3-Related Benign Familial Neonatal Epilepsy; Seizures, benign neonatal, 2; KCNQ3-Related Self-Limited Familial Neonatal Epilepsy (SLFNE). Identifiers: Orphanet 1949, MedGen C1852581, MONDO:0007366, OMIM 121201.

Submission:

Greenwood Genetic Center Diagnostic Laboratories, Greenwood Genetic Center
Classification: Likely pathogenic for Seizures, benign familial neonatal, 2. Last evaluated: 2025-05-13. Review status: criteria provided, single submitter. Criteria: ACMG Guidelines, 2015. Collection method: clinical testing. Allele origin: germline. Affected: yes.
Comment: PM1, PM2, PM5_Supporting, PP3

NM_004519.4(KCNQ3):c.928G>T (p.Gly310Cys)

Gene: KCNQ3 (potassium voltage-gated channel subfamily Q member 3; minus strand). Cytogenetic location: 8q24.22.
Variant type: single nucleotide variant.
Coding change: c.928G>T on transcript NM_004519.4 (MANE Select); coding-DNA position 928, G replaced by T.
Protein change: p.Gly310Cys; replaces glycine 310 with cysteine.
Molecular consequence: missense variant.
Genome position (GRCh38, 1-based): chr8:132,175,458, C>A on the plus strand (G>T on the coding strand, the complement: KCNQ3 is on the minus strand). VCF-style: chr8-132175458-C-A. GRCh37 (hg19) VCF-style: chr8-133187705-C-A.
Other names: c.568G>T, p.Gly190Cys (NM_001204824.2); short protein forms G190C, G310C.
Identifiers: ClinVar variation 4538235 (VCV004538235.1).